The following is an entry in ClinVar:

NM_000057.4(BLM):c.2894C>G (p.Ser965Cys)

Gene: BLM (BLM RecQ like helicase; plus strand). Cytogenetic location: 15q26.1.
Variant type: single nucleotide variant.
Coding change: c.2894C>G on transcript NM_000057.4 (MANE Select); coding-DNA position 2894, C replaced by G.
Protein change: p.Ser965Cys; replaces serine 965 with cysteine.
Molecular consequence: missense variant.
Genome position (GRCh38, 1-based): chr15:90,790,719, C>G. VCF-style: chr15-90790719-C-G. GRCh37 (hg19) VCF-style: chr15-91333949-C-G.
Other names: c.2894C>G, p.Ser965Cys (NM_001287246.2, NM_001287247.2); c.1769C>G, p.Ser590Cys (NM_001287248.2); short protein forms S590C, S965C.
Identifiers: ClinVar variation 1020546 (VCV001020546.10), dbSNP rs1567056595, ClinGen allele CA393846364.

ClinVar aggregate classification (germline): Uncertain significance. Review status: criteria provided, multiple submitters, no conflicts (2 of 4 stars). 2 submissions from 2 submitters: Uncertain significance (2). Last evaluated 2024-04-16.

Conditions:
Hereditary cancer-predisposing syndrome. Also called: Tumor predisposition; Neoplastic Syndromes, Hereditary; Hereditary neoplastic syndrome; Hereditary Cancer Syndrome. Identifiers: Orphanet 140162, MedGen C0027672, MeSH D009386, MONDO:0015356.
Bloom syndrome (BLM). Also called: Bloom-Torre-Machacek syndrome. Identifiers: Orphanet 125, MedGen C0005859, MONDO:0008876, OMIM 210900.

Allele frequency attached by ClinVar (database versions not stated): gnomAD exomes below 0.00001; gnomAD 0.00001.
gnomAD v4.1: 6 of 1,614,016 alleles (0.00037%); highest among the groups gnomAD compares: Non-Finnish European, 0.00051%; no homozygotes.

Submissions (2):

Labcorp Genetics (formerly Invitae), Labcorp
Classification: Uncertain significance for Bloom syndrome. Last evaluated: 2024-04-16. Review status: criteria provided, single submitter. Criteria: Invitae Variant Classification Sherloc (09022015). Collection method: clinical testing. Allele origin: germline.
Comment: This sequence change replaces serine, which is neutral and polar, with cysteine, which is neutral and slightly polar, at codon 965 of the BLM protein (p.Ser965Cys). This variant is not present in population databases (gnomAD no frequency). This variant has not been reported in the literature in individuals affected with BLM-related conditions. ClinVar contains an entry for this variant (Variation ID: 1020546). Advanced modeling of protein sequence and biophysical properties (such as structural, functional, and spatial information, amino acid conservation, physicochemical variation, residue mobility, and thermodynamic stability) performed at Invitae indicates that this missense variant is not expected to disrupt BLM protein function with a negative predictive value of 80%. In summary, the available evidence is currently insufficient to determine the role of this variant in disease. Therefore, it has been classified as a Variant of Uncertain Significance.

Ambry Genetics
Classification: Uncertain significance for Hereditary cancer-predisposing syndrome. Last evaluated: 2022-12-29. Review status: criteria provided, single submitter. Criteria: Ambry Variant Classification Scheme 2023. Collection method: clinical testing. Allele origin: germline.
Comment: The p.S965C variant (also known as c.2894C>G), located in coding exon 14 of the BLM gene, results from a C to G substitution at nucleotide position 2894. The serine at codon 965 is replaced by cysteine, an amino acid with dissimilar properties. This amino acid position is highly conserved in available vertebrate species. In addition, this alteration is predicted to be deleterious by in silico analysis. Since supporting evidence is limited at this time, the clinical significance of this alteration remains unclear.